The following is an entry in ClinVar:

ClinVar aggregate classification (germline): Uncertain significance. Review status: criteria provided, multiple submitters, no conflicts (2 of 4 stars). 2 submissions from 2 submitters: Uncertain significance (2). Last evaluated 2024-04-29.

Conditions:
Inborn genetic diseases. Identifiers: MedGen C0950123, MeSH D030342.
Primary ciliary dyskinesia 30. Also called: CILIARY DYSKINESIA, PRIMARY, 30, WITH OR WITHOUT SITUS INVERSUS. Identifiers: Orphanet 244, MedGen C4015016, MONDO:0014465, OMIM 616037.

gnomAD v4.1: 1 of 1,612,252 alleles (0.000062%); no homozygotes.

Submissions (2):

Ambry Genetics
Classification: Uncertain significance for Inborn genetic diseases. Last evaluated: 2024-04-29. Review status: criteria provided, single submitter. Criteria: Ambry Variant Classification Scheme 2023. Collection method: clinical testing. Allele origin: germline.

Labcorp Genetics (formerly Invitae), Labcorp
Classification: Uncertain significance for Primary ciliary dyskinesia 30. Last evaluated: 2022-05-20. Review status: criteria provided, single submitter. Criteria: Invitae Variant Classification Sherloc (09022015). Collection method: clinical testing. Allele origin: germline.
Comment: Algorithms developed to predict the effect of missense changes on protein structure and function output the following: SIFT: "Tolerated"; PolyPhen-2: "Possibly Damaging"; Align-GVGD: "Class C0". The arginine amino acid residue is found in multiple mammalian species, which suggests that this missense change does not adversely affect protein function. In summary, the available evidence is currently insufficient to determine the role of this variant in disease. Therefore, it has been classified as a Variant of Uncertain Significance. This sequence change replaces glycine, which is neutral and non-polar, with arginine, which is basic and polar, at codon 481 of the CCDC151 protein (p.Gly481Arg). This variant is present in population databases (no rsID available, gnomAD 0.01%). This variant has not been reported in the literature in individuals affected with CCDC151-related conditions.

NM_145045.5(ODAD3):c.1441G>C (p.Gly481Arg)

Gene: ODAD3 (outer dynein arm docking complex subunit 3; minus strand). Cytogenetic location: 19p13.2.
Variant type: single nucleotide variant.
Coding change: c.1441G>C on transcript NM_145045.5 (MANE Select); coding-DNA position 1441, G replaced by C.
Protein change: p.Gly481Arg; replaces glycine 481 with arginine.
Molecular consequence: missense variant.
Genome position (GRCh38, 1-based): chr19:11,421,826, C>G on the plus strand (G>C on the coding strand, the complement: ODAD3 is on the minus strand). VCF-style: chr19-11421826-C-G. GRCh37 (hg19) VCF-style: chr19-11532494-C-G.
Other names: c.1441G>C (NM_145045.4); c.1279G>C, p.Gly427Arg (NM_001302453.1); c.1261G>C, p.Gly421Arg (NM_001302454.2); short protein forms G427R, G421R, G481R.
Identifiers: ClinVar variation 1979337 (VCV001979337.5), dbSNP rs769663421, ClinGen allele CA404119437.